The following is an entry in ClinVar:

NM_201384.3(PLEC):c.3653C>T (p.Pro1218Leu)

Gene: PLEC (plectin; minus strand). Cytogenetic location: 8q24.3.
Variant type: single nucleotide variant.
Coding change: c.3653C>T on transcript NM_201384.3 (MANE Select); coding-DNA position 3653, C replaced by T.
Protein change: p.Pro1218Leu; replaces proline 1218 with leucine.
Molecular consequence: missense variant.
Genome position (GRCh38, 1-based): chr8:143,927,513, G>A on the plus strand (C>T on the coding strand, the complement: PLEC is on the minus strand). VCF-style: chr8-143927513-G-A. GRCh37 (hg19) VCF-style: chr8-145001681-G-A.
Other names: c.3734C>T, p.Pro1245Leu (NM_000445.5); c.3611C>T, p.Pro1204Leu (NM_201378.4); c.3587C>T, p.Pro1196Leu (NM_201379.3); c.4064C>T, p.Pro1355Leu (NM_201380.4); c.3557C>T, p.Pro1186Leu (NM_201381.3); c.3653C>T, p.Pro1218Leu (NM_201382.4); c.3665C>T, p.Pro1222Leu (NM_201383.3); short protein forms P1245L, P1196L, P1355L, P1186L, P1204L, P1218L, P1222L.
Identifiers: ClinVar variation 646731 (VCV000646731.7), dbSNP rs1435660121, ClinGen allele CA372565222.

ClinVar aggregate classification (germline): Uncertain significance. Review status: criteria provided, multiple submitters, no conflicts (2 of 4 stars). 2 submissions from 2 submitters: Uncertain significance (2). Last evaluated 2025-09-10.

Conditions:
Epidermolysis bullosa simplex 5B, with muscular dystrophy (EBS5B). Also called: Epidermolysis bullosa simplex with muscular dystrophy; EPIDERMOLYSIS BULLOSA SIMPLEX AND LIMB-GIRDLE MUSCULAR DYSTROPHY. Identifiers: Orphanet 257, MedGen C2931072, MONDO:0009181, OMIM 226670.
Autosomal recessive limb-girdle muscular dystrophy type 2Q (LGMDR17). Also called: MUSCULAR DYSTROPHY, LIMB-GIRDLE, AUTOSOMAL RECESSIVE 17. Identifiers: Orphanet 254361, MedGen C3150989, MONDO:0013390, OMIM 613723.
Epidermolysis bullosa simplex 5C, with pyloric atresia (EBS5C). Also called: PLEC-Related Epidermolysis Bullosa with Pyloric Atresia; PLEC1-Related Epidermolysis Bullosa with Pyloric Atresia; Epidermolysis bullosa simplex with pyloric atresia. Identifiers: Orphanet 158684, MedGen C2677349, MONDO:0012807, OMIM 612138.
Epidermolysis bullosa simplex, Ogna type (EBS5A). Also called: Pidermolysis bullosa simplex 5A, Ogna type; EPIDERMOLYSIS BULLOSA SIMPLEX 5A, OGNA TYPE. Identifiers: Orphanet 79401, MedGen C0432317, MONDO:0007555, OMIM 131950.
Epidermolysis bullosa simplex with nail dystrophy (EBS5D). Identifiers: MedGen C4225309, MONDO:0014661, OMIM 616487.
PLEC-related disorder. Also called: PLEC-related condition; PLEC-related disorders.

Allele frequency attached by ClinVar (database versions not stated): gnomAD exomes below 0.00001.
gnomAD v4.1: 3 of 1,597,312 alleles (0.00019%); highest among the groups gnomAD compares: Non-Finnish European, 0.00025%; no homozygotes.

Submissions (2):

PreventionGenetics, part of Exact Sciences
Classification: Uncertain significance for PLEC-related condition. Last evaluated: 2025-09-10. Review status: criteria provided, single submitter. Criteria: ACMG Guidelines, 2015. Collection method: clinical testing. Allele origin: germline.
Comment: The PLEC c.3734C>T variant is predicted to result in the amino acid substitution p.Pro1245Leu. To our knowledge, this variant has not been reported in the literature or in a large population database (gnomAD), indicating this variant is rare. At this time, the clinical significance of this variant is uncertain due to the absence of conclusive functional and genetic evidence.

Labcorp Genetics (formerly Invitae), Labcorp
Classification: Uncertain significance for Autosomal recessive limb-girdle muscular dystrophy type 2Q; Epidermolysis bullosa simplex, Ogna type; Epidermolysis bullosa simplex with nail dystrophy; Epidermolysis bullosa simplex 5C, with pyloric atresia; Epidermolysis bullosa simplex 5B, with muscular dystrophy. Last evaluated: 2018-10-08. Review status: criteria provided, single submitter. Criteria: Invitae Variant Classification Sherloc (09022015). Collection method: clinical testing. Allele origin: germline.
Comment: In summary, the available evidence is currently insufficient to determine the role of this variant in disease. Therefore, it has been classified as a Variant of Uncertain Significance. Algorithms developed to predict the effect of missense changes on protein structure and function (SIFT, PolyPhen-2, Align-GVGD) all suggest that this variant is likely to be tolerated, but these predictions have not been confirmed by published functional studies and their clinical significance is uncertain. This variant has not been reported in the literature in individuals with PLEC-related disease. This variant is not present in population databases (ExAC no frequency). This sequence change replaces proline with leucine at codon 1245 of the PLEC protein (p.Pro1245Leu). The proline residue is moderately conserved and there is a moderate physicochemical difference between proline and leucine.